The following is an entry in ClinVar:

NM_000341.4(SLC3A1):c.1199C>T (p.Pro400Leu)

Gene: SLC3A1 (solute carrier family 3 member 1; plus strand). Cytogenetic location: 2p21.
Variant type: single nucleotide variant.
Coding change: c.1199C>T on transcript NM_000341.4 (MANE Select); coding-DNA position 1199, C replaced by T.
Protein change: p.Pro400Leu; replaces proline 400 with leucine.
Molecular consequence: missense variant.
Genome position (GRCh38, 1-based): chr2:44,304,205, C>T. VCF-style: chr2-44304205-C-T. GRCh37 (hg19) VCF-style: chr2-44531344-C-T.
Other names: short protein forms P400L.
Identifiers: ClinVar variation 1441005 (VCV001441005.8), dbSNP rs759029819, ClinGen allele CA1640485.

ClinVar aggregate classification (germline): Uncertain significance (1 of 4 stars; one submission).

Conditions:
Cystinuria (CSNU). Also called: Cystinuria, non-type I; CYSTINURIA, TYPE I; CYSTINURIA, TYPE II; CYSTINURIA, TYPE III. Identifiers: Orphanet 214, MedGen C0010691, MONDO:0009067, OMIM 220100, HP:0003131.

Allele frequency attached by ClinVar (database versions not stated): TOPMed below 0.00001; ExAC 0.00001; gnomAD exomes 0.00001 and 0.00002.
gnomAD v4.1: 27 of 1,614,080 alleles (0.0017%); highest among the groups gnomAD compares: Non-Finnish European, 0.0021%; no homozygotes.

Submission:

Labcorp Genetics (formerly Invitae), Labcorp
Classification: Uncertain significance for Cystinuria. Last evaluated: 2021-06-14. Review status: criteria provided, single submitter. Criteria: Invitae Variant Classification Sherloc (09022015). Collection method: clinical testing. Allele origin: germline.
Comment: Algorithms developed to predict the effect of missense changes on protein structure and function (SIFT, PolyPhen-2, Align-GVGD) all suggest that this variant is likely to be tolerated, but these predictions have not been confirmed by published functional studies and their clinical significance is uncertain. In summary, the available evidence is currently insufficient to determine the role of this variant in disease. Therefore, it has been classified as a Variant of Uncertain Significance. This sequence change replaces proline with leucine at codon 400 of the SLC3A1 protein (p.Pro400Leu). The proline residue is moderately conserved and there is a moderate physicochemical difference between proline and leucine. This variant is present in population databases (rs759029819, ExAC 0.009%). This variant has not been reported in the literature in individuals with SLC3A1-related conditions.